The following is an entry in ClinVar:

NM_022124.6(CDH23):c.6011G>A (p.Gly2004Asp)

Gene: CDH23 (cadherin related 23; plus strand). Cytogenetic location: 10q22.1.
Variant type: single nucleotide variant.
Coding change: c.6011G>A on transcript NM_022124.6 (MANE Select); coding-DNA position 6011, G replaced by A.
Protein change: p.Gly2004Asp; replaces glycine 2004 with aspartic acid.
Molecular consequence: missense variant.
Genome position (GRCh38, 1-based): chr10:71,790,375, G>A. VCF-style: chr10-71790375-G-A. GRCh37 (hg19) VCF-style: chr10-73550132-G-A.
Other names: short protein forms G2004D.
Identifiers: ClinVar variation 667209 (VCV000667209.4), dbSNP rs745568647, ClinGen allele CA209461703.

ClinVar aggregate classification (germline): Uncertain significance (1 of 4 stars; one submission).

Allele frequency attached by ClinVar (database versions not stated): gnomAD exomes below 0.00001.
gnomAD v4.1: 4 of 1,613,648 alleles (0.00025%); highest among the groups gnomAD compares: Non-Finnish European, 0.00025%; no homozygotes.

Submission:

Laboratory for Molecular Medicine, Mass General Brigham Personalized Medicine
Classification: Uncertain significance. Last evaluated: 2018-04-10. Review status: criteria provided, single submitter. Criteria: LMM Criteria. Collection method: clinical testing. Allele origin: germline. Observed: 1 variant allele.
Comment: The p.Gly2004Asp variant in CDH23 has not been previously reported in individual s with hearing loss or Usher syndrome and was absent from large population studi es. Computational prediction tools and conservation analysis suggest that the p. Gly2004Asp variant may impact the protein, though this information is not predic tive enough to determine pathogenicity. In summary, the clinical significance of the p.Gly2004Asp variant is uncertain. ACMG/AMP Criteria applied: PM2, PP3.